The following is an entry in ClinVar:

NM_001734.5(C1S):c.164C>A (p.Thr55Asn)

Gene: C1S (complement C1s; plus strand). Cytogenetic location: 12p13.31.
Variant type: single nucleotide variant.
Coding change: c.164C>A on transcript NM_001734.5 (MANE Select); coding-DNA position 164, C replaced by A.
Protein change: p.Thr55Asn; replaces threonine 55 with asparagine.
Molecular consequence: missense variant. On other transcripts: intron variant (1).
Genome position (GRCh38, 1-based): chr12:7,062,633, C>A. VCF-style: chr12-7062633-C-A. GRCh37 (hg19) VCF-style: chr12-7169937-C-A.
Other names: c.164C>A, p.Thr55Asn (NM_201442.4); c.-288-257C>A (NM_001346850.2); short protein forms T55N.
Identifiers: ClinVar variation 3656868 (VCV003656868.2).

ClinVar aggregate classification (germline): Uncertain significance (1 of 4 stars; one submission).

gnomAD v4.1: 1 of 1,614,102 alleles (0.000062%); highest among the groups gnomAD compares: Admixed American, 0.0017%; no homozygotes.

Submission:

Labcorp Genetics (formerly Invitae), Labcorp
Classification: Uncertain significance. Last evaluated: 2024-06-17. Review status: criteria provided, single submitter. Criteria: Invitae Variant Classification Sherloc (09022015). Collection method: clinical testing. Allele origin: germline.
Comment: This sequence change replaces threonine, which is neutral and polar, with asparagine, which is neutral and polar, at codon 55 of the C1S protein (p.Thr55Asn). This variant is not present in population databases (gnomAD no frequency). This variant has not been reported in the literature in individuals affected with C1S-related conditions. Advanced modeling of protein sequence and biophysical properties (such as structural, functional, and spatial information, amino acid conservation, physicochemical variation, residue mobility, and thermodynamic stability) performed at Invitae indicates that this missense variant is not expected to disrupt C1S protein function with a negative predictive value of 80%. In summary, the available evidence is currently insufficient to determine the role of this variant in disease. Therefore, it has been classified as a Variant of Uncertain Significance.